The following is an entry in ClinVar:

NM_201384.3(PLEC):c.8835C>G (p.Phe2945Leu)

Gene: PLEC (plectin; minus strand). Cytogenetic location: 8q24.3.
Variant type: single nucleotide variant.
Coding change: c.8835C>G on transcript NM_201384.3 (MANE Select); coding-DNA position 8835, C replaced by G.
Protein change: p.Phe2945Leu; replaces phenylalanine 2945 with leucine.
Molecular consequence: missense variant.
Genome position (GRCh38, 1-based): chr8:143,920,986, G>C on the plus strand (C>G on the coding strand, the complement: PLEC is on the minus strand). VCF-style: chr8-143920986-G-C. GRCh37 (hg19) VCF-style: chr8-144995154-G-C.
Other names: c.8916C>G, p.Phe2972Leu (NM_000445.5); c.8793C>G, p.Phe2931Leu (NM_201378.4); c.8769C>G, p.Phe2923Leu (NM_201379.3); c.9246C>G, p.Phe3082Leu (NM_201380.4); c.8739C>G, p.Phe2913Leu (NM_201381.3); c.8835C>G, p.Phe2945Leu (NM_201382.4); c.8847C>G, p.Phe2949Leu (NM_201383.3); short protein forms F2972L, F2923L, F2913L, F2945L, F3082L, F2931L, F2949L.
Identifiers: ClinVar variation 597362 (VCV000597362.12), dbSNP rs1327652702, ClinGen allele CA372515246.

ClinVar aggregate classification (germline): Uncertain significance. Review status: criteria provided, multiple submitters, no conflicts (2 of 4 stars). 2 submissions from 2 submitters: Uncertain significance (2). Last evaluated 2025-01-13.

Conditions:
Epidermolysis bullosa simplex 5B, with muscular dystrophy (EBS5B). Also called: Epidermolysis bullosa simplex with muscular dystrophy; EPIDERMOLYSIS BULLOSA SIMPLEX AND LIMB-GIRDLE MUSCULAR DYSTROPHY. Identifiers: Orphanet 257, MedGen C2931072, MONDO:0009181, OMIM 226670.
Epidermolysis bullosa simplex, Ogna type (EBS5A). Also called: Pidermolysis bullosa simplex 5A, Ogna type; EPIDERMOLYSIS BULLOSA SIMPLEX 5A, OGNA TYPE. Identifiers: Orphanet 79401, MedGen C0432317, MONDO:0007555, OMIM 131950.
Epidermolysis bullosa simplex with nail dystrophy (EBS5D). Identifiers: MedGen C4225309, MONDO:0014661, OMIM 616487.
Autosomal recessive limb-girdle muscular dystrophy type 2Q (LGMDR17). Also called: MUSCULAR DYSTROPHY, LIMB-GIRDLE, AUTOSOMAL RECESSIVE 17. Identifiers: Orphanet 254361, MedGen C3150989, MONDO:0013390, OMIM 613723.
Epidermolysis bullosa simplex 5C, with pyloric atresia (EBS5C). Also called: PLEC-Related Epidermolysis Bullosa with Pyloric Atresia; Epidermolysis bullosa simplex with pyloric atresia; PLEC1-Related Epidermolysis Bullosa with Pyloric Atresia. Identifiers: Orphanet 158684, MedGen C2677349, MONDO:0012807, OMIM 612138.

Allele frequency attached by ClinVar (database versions not stated): gnomAD below 0.00001 and 0.00001; gnomAD exomes below 0.00001; TOPMed below 0.00001.
gnomAD v4.1: 20 of 1,613,004 alleles (0.0012%); highest among the groups gnomAD compares: South Asian, 0.0033%; no homozygotes.

Submissions (2):

Labcorp Genetics (formerly Invitae), Labcorp
Classification: Uncertain significance for Autosomal recessive limb-girdle muscular dystrophy type 2Q; Epidermolysis bullosa simplex, Ogna type; Epidermolysis bullosa simplex with nail dystrophy; Epidermolysis bullosa simplex 5C, with pyloric atresia; Epidermolysis bullosa simplex 5B, with muscular dystrophy. Last evaluated: 2025-01-13. Review status: criteria provided, single submitter. Criteria: Invitae Variant Classification Sherloc (09022015). Collection method: clinical testing. Allele origin: germline.
Comment: This sequence change replaces phenylalanine, which is neutral and non-polar, with leucine, which is neutral and non-polar, at codon 2972 of the PLEC protein (p.Phe2972Leu). This variant is not present in population databases (gnomAD no frequency). This variant has not been reported in the literature in individuals affected with PLEC-related conditions. ClinVar contains an entry for this variant (Variation ID: 597362). An algorithm developed to predict the effect of missense changes on protein structure and function (PolyPhen-2) suggests that this variant is likely to be disruptive. In summary, the available evidence is currently insufficient to determine the role of this variant in disease. Therefore, it has been classified as a Variant of Uncertain Significance.

Eurofins Ntd Llc (ga)
Classification: Uncertain significance. Last evaluated: 2018-06-01. Review status: criteria provided, single submitter. Criteria: EGL ClinVar v180209 classification definitions. Collection method: clinical testing. Allele origin: germline. Observed: 1 variant allele, 1 heterozygote.